The following is an entry in ClinVar:

ClinVar aggregate classification (germline): Benign/Likely benign. Review status: criteria provided, multiple submitters, no conflicts (2 of 4 stars). 10 submissions from 10 submitters: Benign (7); Likely benign (2). 1 of the submissions does not count toward it. Last evaluated 2026-06-12.

Conditions:
Charcot-Marie-Tooth disease axonal type 2S. Also called: CHARCOT-MARIE-TOOTH NEUROPATHY, TYPE 2S; CHARCOT-MARIE-TOOTH DISEASE, AXONAL, AUTOSOMAL RECESSIVE, TYPE 2S. Identifiers: Orphanet 443073, MedGen C4015349, MONDO:0014511, OMIM 616155.
Autosomal recessive distal spinal muscular atrophy 1. Also called: HMN VI; NEURONOPATHY, SEVERE INFANTILE AXONAL, WITH RESPIRATORY FAILURE; SEVERE INFANTILE AXONAL NEUROPATHY WITH RESPIRATORY FAILURE; SPINAL MUSCULAR ATROPHY, DIAPHRAGMATIC; NEURONOPATHY, DISTAL HEREDITARY MOTOR, HARDING TYPE VI; NEUROPATHY, DISTAL HEREDITARY MOTOR, AUTOSOMAL RECESSIVE 1. Identifiers: Orphanet 98920, MedGen C1858517, MONDO:0011436, OMIM 604320.
Charcot-Marie-Tooth disease. Also called: Charcot-Marie-Tooth Neuropathy; Charcot-Marie-Tooth Hereditary Neuropathy. Identifiers: Orphanet 166, MedGen C0007959, MONDO:0015626.
IGHMBP2-related disorder. Also called: IGHMBP2-related disorders; IGHMBP2-related condition.
Inborn genetic diseases. Identifiers: MedGen C0950123, MeSH D030342.

Allele frequency attached by ClinVar (database versions not stated): gnomAD exomes 0.00052 and 0.00128; gnomAD 0.00542 and 0.00580; TOPMed 0.00612; ESP Exome Variant Server 0.00701; ExAC 0.00176; 1000 Genomes Project 30x 0.00453; 1000 Genomes Project 0.00479.
gnomAD v4.1: 1,622 of 1,613,630 alleles (0.1%); highest among the groups gnomAD compares: African/African-American, 1.9%; 11 homozygotes.

Submissions (10):

Women's Health and Genetics/Laboratory Corporation of America, LabCorp
Classification: Benign. Last evaluated: 2026-06-12. Review status: criteria provided, single submitter. Criteria: LabCorp Variant Classification Summary - May 2015. Collection method: clinical testing. Allele origin: germline.

Labcorp Genetics (formerly Invitae), Labcorp
Classification: Benign for Autosomal recessive distal spinal muscular atrophy 1; Charcot-Marie-Tooth disease axonal type 2S. Last evaluated: 2026-02-02. Review status: criteria provided, single submitter. Criteria: Invitae Variant Classification Sherloc (09022015). Collection method: clinical testing. Allele origin: germline.

Blueprint Genetics
Classification: Likely benign. Last evaluated: 2024-09-02. Review status: criteria provided, single submitter. Criteria: ACMG Guidelines, 2015. Collection method: clinical testing. Allele origin: germline.

Ambry Genetics
Classification: Likely benign for Inborn genetic diseases. Last evaluated: 2019-07-11. Review status: criteria provided, single submitter. Criteria: Ambry Variant Classification Scheme 2023. Collection method: clinical testing. Allele origin: germline.

Mayo Clinic Laboratories, Mayo Clinic
Classification: Benign. Last evaluated: 2019-02-13. Review status: criteria provided, single submitter. Criteria: ACMG Guidelines, 2015. Collection method: clinical testing. Allele origin: germline. Observed: 7 variant alleles.

ARUP Laboratories, Molecular Genetics and Genomics, ARUP Laboratories
Classification: Benign. Last evaluated: 2018-08-09. Review status: criteria provided, single submitter. Criteria: ARUP Molecular Germline Variant Investigation Process. Collection method: clinical testing. Allele origin: germline.

GeneDx
Classification: Benign. Last evaluated: 2018-04-30. Review status: criteria provided, single submitter. Criteria: GeneDx Variant Classification Process June 2021. Collection method: clinical testing. Allele origin: germline. Affected: yes.

Breakthrough Genomics
Classification: Benign. Review status: criteria provided, single submitter. Criteria: ACMG Guidelines, 2015. Collection method: not provided. Allele origin: germline. Inheritance: Autosomal recessive inheritance. Affected: yes.

Molecular Genetics Laboratory, London Health Sciences Centre
Classification: Benign for Charcot-Marie-Tooth disease. Review status: criteria provided, single submitter. Criteria: ACMG Guidelines, 2015. Collection method: clinical testing. Allele origin: germline. Affected: yes.

PreventionGenetics, part of Exact Sciences
Classification: Benign for IGHMBP2-related condition. Last evaluated: 2019-05-10. Review status: no assertion criteria provided. Collection method: clinical testing. Allele origin: germline. Not counted in ClinVar's aggregate classification.
Comment: This variant is classified as benign based on ACMG/AMP sequence variant interpretation guidelines (Richards et al. 2015 PMID: 25741868, with internal and published modifications).

NM_002180.3(IGHMBP2):c.2025C>T (p.Thr675=)

Gene: IGHMBP2 (immunoglobulin mu DNA binding protein 2; plus strand). Cytogenetic location: 11q13.3.
Variant type: single nucleotide variant.
Coding change: c.2025C>T on transcript NM_002180.3 (MANE Select); coding-DNA position 2025, C replaced by T.
Protein change: p.Thr675=; no amino-acid change (threonine 675 retained).
Molecular consequence: synonymous variant.
Genome position (GRCh38, 1-based): chr11:68,936,505, C>T. VCF-style: chr11-68936505-C-T. GRCh37 (hg19) VCF-style: chr11-68703973-C-T.
Other names: p.Thr675=.
Identifiers: ClinVar variation 381068 (VCV000381068.28), dbSNP rs138396245, ClinGen allele CA6153827.